The following is an entry in ClinVar:

ClinVar aggregate classification (germline): Likely pathogenic (1 of 4 stars; one submission).

Conditions:
Microcephalic osteodysplastic primordial dwarfism type II (MOPD2). Also called: OSTEODYSPLASTIC PRIMORDIAL DWARFISM, TYPE II; Microcephalic osteodysplastic primordial dwarfism with tooth abnormalities; MOPD II. Identifiers: Orphanet 2637, MedGen C0432246, MONDO:0008872, OMIM 210720.

Submission:

Juno Genomics, Hangzhou Juno Genomics, Inc
Classification: Likely pathogenic for Microcephalic osteodysplastic primordial dwarfism type II. Review status: criteria provided, single submitter. Criteria: ACMG Guidelines, 2015. Collection method: clinical testing. Allele origin: germline.
Comment: Null variant in a gene where loss of function (LOF) is a known mechanism of disease.;Absent from controls (or at extremely low frequency if recessive) in Genome Aggregation Database.

NM_006031.6(PCNT):c.1759A>T (p.Lys587Ter)

Gene: PCNT (pericentrin; plus strand). Cytogenetic location: 21q22.3.
Variant type: single nucleotide variant.
Coding change: c.1759A>T on transcript NM_006031.6 (MANE Select); coding-DNA position 1759, A replaced by T.
Protein change: p.Lys587Ter; replaces lysine 587 with a stop codon.
Molecular consequence: nonsense.
Genome position (GRCh38, 1-based): chr21:46,354,066, A>T. VCF-style: chr21-46354066-A-T. GRCh37 (hg19) VCF-style: chr21-47773980-A-T.
Other names: c.1405A>T, p.Lys469Ter (NM_001315529.2); short protein forms K469*, K587*.
Identifiers: ClinVar variation 5006435 (VCV005006435.2).